The following is an entry in ClinVar:

NM_001852.4(COL9A2):c.1368+16A>G

Gene: COL9A2 (collagen type IX alpha 2 chain; minus strand). Cytogenetic location: 1p34.2.
Variant type: single nucleotide variant.
Coding change: c.1368+16A>G on transcript NM_001852.4 (MANE Select); 16 bases into the intron after coding-DNA position 1368, A replaced by G.
Molecular consequence: intron variant.
Genome position (GRCh38, 1-based): chr1:40,303,912, T>C on the plus strand (A>G on the coding strand, the complement: COL9A2 is on the minus strand). VCF-style: chr1-40303912-T-C. GRCh37 (hg19) VCF-style: chr1-40769584-T-C.
Identifiers: ClinVar variation 258374 (VCV000258374.20), dbSNP rs6684531, ClinGen allele CA791466.

ClinVar aggregate classification (germline): Benign. Review status: criteria provided, multiple submitters, no conflicts (2 of 4 stars). 9 submissions from 9 submitters: Benign (7). 2 of the submissions do not count toward it. Last evaluated 2026-05-09.

Allele frequency attached by ClinVar (database versions not stated): gnomAD exomes 0.02552 and 0.03887; ESP Exome Variant Server 0.04721; ExAC 0.05110; 1000 Genomes Project 0.06669; 1000 Genomes Project 30x 0.06808; gnomAD 0.06821 and 0.07104; TOPMed 0.07349.
gnomAD v4.1: 46,432 of 1,551,628 alleles (3%); highest among the groups gnomAD compares: African/African-American, 18%; 1,730 homozygotes.

Submissions (9):

Women's Health and Genetics/Laboratory Corporation of America, LabCorp
Classification: Benign. Last evaluated: 2026-05-09. Review status: criteria provided, single submitter. Criteria: LabCorp Variant Classification Summary - May 2015. Collection method: clinical testing. Allele origin: germline.

Labcorp Genetics (formerly Invitae), Labcorp
Classification: Benign. Last evaluated: 2026-02-04. Review status: criteria provided, single submitter. Criteria: Invitae Variant Classification Sherloc (09022015). Collection method: clinical testing. Allele origin: germline.

Blueprint Genetics
Classification: Benign. Last evaluated: 2024-11-26. Review status: criteria provided, single submitter. Criteria: ACMG Guidelines, 2015. Collection method: clinical testing. Allele origin: germline.

GeneDx
Classification: Benign. Last evaluated: 2016-10-10. Review status: criteria provided, single submitter. Criteria: GeneDx Variant Classification (06012015). Collection method: clinical testing. Allele origin: germline. Affected: yes.
Comment: This variant is considered likely benign or benign based on one or more of the following criteria: it is a conservative change, it occurs at a poorly conserved position in the protein, it is predicted to be benign by multiple in silico algorithms, and/or has population frequency not consistent with disease.

Eurofins Ntd Llc (ga)
Classification: Benign. Last evaluated: 2016-04-29. Review status: criteria provided, single submitter. Criteria: EGL Classification Definitions 2015. Collection method: clinical testing. Allele origin: germline. Observed: 1 variant allele, 1 heterozygote.

Breakthrough Genomics
Classification: Benign. Review status: criteria provided, single submitter. Criteria: ACMG Guidelines, 2015. Collection method: not provided. Allele origin: germline. Inheritance: Autosomal recessive inheritance. Affected: yes.

PreventionGenetics, part of Exact Sciences
Classification: Benign. Review status: criteria provided, single submitter. Criteria: ACMG Guidelines, 2015. Collection method: clinical testing. Allele origin: germline.

Genome Diagnostics Laboratory, Amsterdam University Medical Center
Classification: Benign. Review status: no assertion criteria provided. Collection method: clinical testing. Allele origin: germline. Affected: yes. Study: VKGL Data-share Consensus. Not counted in ClinVar's aggregate classification.

Joint Genome Diagnostic Labs from Nijmegen and Maastricht, Radboudumc and MUMC+
Classification: Benign. Review status: no assertion criteria provided. Collection method: clinical testing. Allele origin: germline. Affected: yes. Study: VKGL Data-share Consensus. Not counted in ClinVar's aggregate classification.